The following is an entry in ClinVar:

NC_000011.9:g.(?_68671421)_(68679091_?)del

Gene: IGHMBP2 (immunoglobulin mu DNA binding protein 2; plus strand). Cytogenetic location: 11q13.3.
Variant type: Deletion.
Identifiers: ClinVar variation 2424363 (VCV002424363.5).

ClinVar aggregate classification (germline): Pathogenic (1 of 4 stars; one submission).

Conditions:
Charcot-Marie-Tooth disease axonal type 2S. Also called: CHARCOT-MARIE-TOOTH DISEASE, AXONAL, AUTOSOMAL RECESSIVE, TYPE 2S; CHARCOT-MARIE-TOOTH NEUROPATHY, TYPE 2S. Identifiers: Orphanet 443073, MedGen C4015349, MONDO:0014511, OMIM 616155.
Autosomal recessive distal spinal muscular atrophy 1. Also called: SEVERE INFANTILE AXONAL NEUROPATHY WITH RESPIRATORY FAILURE; SPINAL MUSCULAR ATROPHY, DIAPHRAGMATIC; NEURONOPATHY, DISTAL HEREDITARY MOTOR, HARDING TYPE VI; NEUROPATHY, DISTAL HEREDITARY MOTOR, AUTOSOMAL RECESSIVE 1; NEURONOPATHY, SEVERE INFANTILE AXONAL, WITH RESPIRATORY FAILURE; Spinal muscular atrophy with respiratory distress 1. Identifiers: Orphanet 98920, MedGen C1858517, MONDO:0011436, OMIM 604320.

Submission:

Labcorp Genetics (formerly Invitae), Labcorp
Classification: Pathogenic for Autosomal recessive distal spinal muscular atrophy 1; Charcot-Marie-Tooth disease axonal type 2S. Last evaluated: 2023-07-19. Review status: criteria provided, single submitter. Criteria: Invitae Variant Classification Sherloc (09022015). Collection method: clinical testing. Allele origin: germline.
Comment: For these reasons, this variant has been classified as Pathogenic. This variant has not been reported in the literature in individuals affected with IGHMBP2-related conditions. This variant is a gross deletion of the genomic region encompassing exon(s) 1-5 of the IGHMBP2 gene, which includes the initiator codon. This deletion extends beyond the assayed region for this gene and therefore may encompass additional genes. It is expected to result in an absent or disrupted protein product. Loss-of-function variants in IGHMBP2 are known to be pathogenic (PMID: 14681881, 25439726, 25568292).

Literature cited by the submitters: PubMed 14681881; PubMed 25439726; PubMed 25568292.